The following is an entry in ClinVar:

NM_014000.3(VCL):c.868T>A (p.Ser290Thr)

Gene: VCL (vinculin; plus strand). Cytogenetic location: 10q22.2.
Variant type: single nucleotide variant.
Coding change: c.868T>A on transcript NM_014000.3 (MANE Select); coding-DNA position 868, T replaced by A.
Protein change: p.Ser290Thr; replaces serine 290 with threonine.
Molecular consequence: missense variant.
Genome position (GRCh38, 1-based): chr10:74,082,538, T>A. VCF-style: chr10-74082538-T-A. GRCh37 (hg19) VCF-style: chr10-75842296-T-A.
Other names: c.868T>A, p.Ser290Thr (NM_003373.4); short protein forms S290T.
Identifiers: ClinVar variation 2565620 (VCV002565620.2), dbSNP rs2549218333, ClinGen allele CA377269828.

ClinVar aggregate classification (germline): Uncertain significance (1 of 4 stars; one submission).

Conditions:
Cardiovascular phenotype. Identifiers: MedGen CN230736.

Submission:

Ambry Genetics
Classification: Uncertain significance for Cardiovascular phenotype. Last evaluated: 2023-03-24. Review status: criteria provided, single submitter. Criteria: Ambry Variant Classification Scheme 2023. Collection method: clinical testing. Allele origin: germline.
Comment: The p.S290T variant (also known as c.868T>A), located in coding exon 7 of the VCL gene, results from a T to A substitution at nucleotide position 868. The serine at codon 290 is replaced by threonine, an amino acid with similar properties. This amino acid position is conserved. In addition, this alteration is predicted to be tolerated by in silico analysis. Since supporting evidence is limited at this time, the clinical significance of this alteration remains unclear.